The following is an entry in ClinVar:

ClinVar aggregate classification (germline): Benign/Likely benign. Review status: criteria provided, multiple submitters, no conflicts (2 of 4 stars). 13 submissions from 13 submitters: Benign (2); Likely benign (7). 4 of the submissions do not count toward it. Last evaluated 2025-12-24.

Conditions:
Aortic aneurysm, familial thoracic 4 (AAT4). Also called: AORTIC ANEURYSM/AORTIC DISSECTION AND PATENT DUCTUS ARTERIOSUS. Identifiers: MedGen C1851504, MONDO:0007568, OMIM 132900.
Familial thoracic aortic aneurysm and aortic dissection (TAAD). Also called: Thoracic aortic aneurysms and dissections. Identifiers: Orphanet 91387, MedGen C4707243, MONDO:0019625.

Allele frequency attached by ClinVar (database versions not stated): TOPMed 0.00018; gnomAD exomes 0.00021 and 0.00036; ESP Exome Variant Server 0.00023; gnomAD 0.00023 and 0.00024; ExAC 0.00026.
gnomAD v4.1: 549 of 1,609,664 alleles (0.034%); highest among the groups gnomAD compares: Non-Finnish European, 0.045%; 1 homozygote.

Submissions (13):

Labcorp Genetics (formerly Invitae), Labcorp
Classification: Likely benign for Aortic aneurysm, familial thoracic 4. Last evaluated: 2025-12-24. Review status: criteria provided, single submitter. Criteria: Invitae Variant Classification Sherloc (09022015). Collection method: clinical testing. Allele origin: germline.

Ambry Genetics
Classification: Likely benign for Familial thoracic aortic aneurysm and aortic dissection. Last evaluated: 2025-01-07. Review status: criteria provided, single submitter. Criteria: Ambry Variant Classification Scheme 2023. Collection method: clinical testing. Allele origin: germline.

Blueprint Genetics
Classification: Likely benign. Last evaluated: 2024-11-13. Review status: criteria provided, single submitter. Criteria: ACMG Guidelines, 2015. Collection method: clinical testing. Allele origin: germline.

ARUP Laboratories, Molecular Genetics and Genomics, ARUP Laboratories
Classification: Likely benign. Last evaluated: 2024-08-05. Review status: criteria provided, single submitter. Criteria: ARUP Molecular Germline Variant Investigation Process 2024. Collection method: clinical testing. Allele origin: germline.

All of Us Research Program, National Institutes of Health
Classification: Likely benign for Familial thoracic aortic aneurysm and aortic dissection. Last evaluated: 2024-02-05. Review status: criteria provided, single submitter. Criteria: ACMG Guidelines, 2015. Collection method: clinical testing. Allele origin: germline. Inheritance: Autosomal dominant inheritance. Observed: 54 variant alleles, 54 heterozygotes.
Comment: This study involves interpretation of variants in research participants for the purpose of population health screening. Participant phenotype was not available at the time of variant classification. Additional details can be found in publication PMID: 35346344, PMCID: PMC8962531

Women's Health and Genetics/Laboratory Corporation of America, LabCorp
Classification: Benign. Last evaluated: 2023-05-08. Review status: criteria provided, single submitter. Criteria: LabCorp Variant Classification Summary - May 2015. Collection method: clinical testing. Allele origin: germline.

GeneDx
Classification: Likely benign. Last evaluated: 2020-03-26. Review status: criteria provided, single submitter. Criteria: GeneDx Variant Classification Process June 2021. Collection method: clinical testing. Allele origin: germline. Affected: yes.

Color Diagnostics, LLC DBA Color Health
Classification: Likely benign for Familial thoracic aortic aneurysm and aortic dissection. Last evaluated: 2018-09-28. Review status: criteria provided, single submitter. Criteria: ACMG Guidelines, 2015. Collection method: clinical testing. Allele origin: germline.

CHEO Genetics Diagnostic Laboratory, Children's Hospital of Eastern Ontario
Classification: Benign for Familial thoracic aortic aneurysm and aortic dissection. Last evaluated: 2018-06-04. Review status: criteria provided, single submitter. Criteria: ACMG Guidelines, 2015. Collection method: clinical testing. Allele origin: germline.

Clinical Genetics DNA and cytogenetics Diagnostics Lab, Erasmus MC, Erasmus Medical Center
Classification: Likely benign. Review status: no assertion criteria provided. Collection method: clinical testing. Allele origin: germline. Affected: yes. Study: VKGL Data-share Consensus. Not counted in ClinVar's aggregate classification.

Genome Diagnostics Laboratory, Amsterdam University Medical Center
Classification: Likely benign. Review status: no assertion criteria provided. Collection method: clinical testing. Allele origin: germline. Affected: yes. Study: VKGL Data-share Consensus. Not counted in ClinVar's aggregate classification.

Genome Diagnostics Laboratory, University Medical Center Utrecht
Classification: Likely benign. Review status: no assertion criteria provided. Collection method: clinical testing. Allele origin: germline. Affected: yes. Study: VKGL Data-share Consensus. Not counted in ClinVar's aggregate classification.

Joint Genome Diagnostic Labs from Nijmegen and Maastricht, Radboudumc and MUMC+
Classification: Likely benign. Review status: no assertion criteria provided. Collection method: clinical testing. Allele origin: germline. Affected: yes. Study: VKGL Data-share Consensus. Not counted in ClinVar's aggregate classification.

NM_002474.3(MYH11):c.2802G>A (p.Glu934=)

Gene: MYH11 (myosin heavy chain 11; minus strand). Cytogenetic location: 16p13.11.
Variant type: single nucleotide variant.
Coding change: c.2802G>A on transcript NM_002474.3 (MANE Select); coding-DNA position 2802, G replaced by A.
Protein change: p.Glu934=; no amino-acid change (glutamic acid 934 retained).
Molecular consequence: synonymous variant.
Genome position (GRCh38, 1-based): chr16:15,741,520, C>T on the plus strand (G>A on the coding strand, the complement: MYH11 is on the minus strand). VCF-style: chr16-15741520-C-T. GRCh37 (hg19) VCF-style: chr16-15835377-C-T.
Other names: c.2823G>A, p.Glu941= (NM_001040113.2, NM_001040114.2); c.2802G>A, p.Glu934= (NM_022844.3).
Identifiers: ClinVar variation 318162 (VCV000318162.33), dbSNP rs138977949, ClinGen allele CA7922171.